The following is an entry in ClinVar:

ClinVar aggregate classification (germline): Uncertain significance (1 of 4 stars; one submission).

Conditions:
Cardiovascular phenotype. Identifiers: MedGen CN230736.

Submission:

Ambry Genetics
Classification: Uncertain significance for Cardiovascular phenotype. Last evaluated: 2025-06-02. Review status: criteria provided, single submitter. Criteria: Ambry Variant Classification Scheme 2023. Collection method: clinical testing. Allele origin: germline.
Comment: The p.A850D variant (also known as c.2549C>A), located in coding exon 16 of the CBL gene, results from a C to A substitution at nucleotide position 2549. The alanine at codon 850 is replaced by aspartic acid, an amino acid with dissimilar properties. This amino acid position is conserved. In addition, this alteration is predicted to be tolerated by in silico analysis. Based on the available evidence, the clinical significance of this variant remains unclear.

NM_005188.4(CBL):c.2549C>A (p.Ala850Asp)

Gene: CBL (Cbl proto-oncogene; plus strand). Cytogenetic location: 11q23.3.
Variant type: single nucleotide variant.
Coding change: c.2549C>A on transcript NM_005188.4 (MANE Select); coding-DNA position 2549, C replaced by A.
Protein change: p.Ala850Asp; replaces alanine 850 with aspartic acid.
Molecular consequence: missense variant.
Genome position (GRCh38, 1-based): chr11:119,299,609, C>A. VCF-style: chr11-119299609-C-A. GRCh37 (hg19) VCF-style: chr11-119170319-C-A.
Other names: short protein forms A850D.
Identifiers: ClinVar variation 3996085 (VCV003996085.1).